The following is an entry in ClinVar:

NM_001354712.2(THRB):c.679_696dup (p.Glu227_Thr232dup)

Genes: THRB (thyroid hormone receptor beta; minus strand), LOC126806630 (CDK7 strongly-dependent group 2 enhancer GRCh37_chr3:24184437-24185636; plus strand). Cytogenetic location: 3p24.2.
Variant type: Duplication.
Coding change: c.679_696dup on transcript NM_001354712.2 (MANE Select); coding-DNA positions 679 to 696, 18 bases duplicated (GAAGCCCATGTGGCGACC).
Protein change: p.Glu227_Thr232dup.
Molecular consequence: inframe insertion.
Genome position (GRCh38, 1-based): chr3:24,143,543-24,143,560, GGTCGCCACATGGGCTTC duplicated on the plus strand (GAAGCCCATGTGGCGACC on the coding strand, the reverse complement: THRB is on the minus strand); duplicating any 18 consecutive bases within chr3:24,143,543-24,143,563 gives the same sequence; the c. name uses the placement nearest the transcript's 3' end. VCF-style (leftmost placement, unchanged base first): chr3-24143542-T-TGGTCGCCACATGGGCTTC. GRCh37 (hg19) VCF-style: chr3-24185033-T-TGGTCGCCACATGGGCTTC.
Other names: c.679_696dup18 (NM_000461.5); c.679_696dup, p.Glu227_Thr232dup (NM_000461.5, NM_001128176.3, NM_001128177.2 and 6 more transcripts); c.586_603dup, p.Glu196_Thr201dup (NM_001354714.2, NM_001354715.2).
Identifiers: ClinVar variation 492909 (VCV000492909.2), dbSNP rs1553616532, ClinGen allele CA658683301.

ClinVar aggregate classification (germline): Uncertain significance. Review status: criteria provided, single submitter (1 of 4 stars). 2 submissions from 2 submitters: Uncertain significance (1). 1 of the submissions does not count toward it. Last evaluated 2024-05-03.

Conditions:
Thyroid hormone resistance, generalized, autosomal dominant (GRTHD). Also called: HYPERTHYROXINEMIA, FAMILIAL EUTHYROID, SECONDARY TO PITUITARY AND PERIPHERAL RESISTANCE TO THYROID HORMONES. Identifiers: MedGen C2937288, MONDO:0008569, OMIM 188570.

Submissions (2):

Women's Health and Genetics/Laboratory Corporation of America, LabCorp
Classification: Uncertain significance. Last evaluated: 2024-05-03. Review status: criteria provided, single submitter. Criteria: LabCorp Variant Classification Summary - May 2015. Collection method: clinical testing. Allele origin: germline.
Comment: Variant summary: THRB c.679_696dup18 (p.Glu227_Thr232dup) results in an in-frame duplication that is predicted to duplicate 6 amino acids into the encoded protein. The variant was absent in 251040 control chromosomes (gnomAD). The available data on variant occurrences in the general population are insufficient to allow any conclusion about variant significance. To our knowledge, no occurrence of c.679_696dup18 in individuals affected with Thyroid Hormone Resistance, Generalized, Autosomal Dominant and no experimental evidence demonstrating its impact on protein function have been reported. ClinVar contains an entry for this variant (Variation ID: 492909). Based on the evidence outlined above, the variant was classified as uncertain significance.

Clinical Molecular Genetics Laboratory, Johns Hopkins All Children's Hospital
Classification: Uncertain significance for Thyroid hormone resistance, generalized, autosomal dominant. Last evaluated: 2012-02-21. Review status: no assertion criteria provided. Collection method: clinical testing. Allele origin: germline. Affected: yes. Not counted in ClinVar's aggregate classification.